The following is an entry in ClinVar:

NM_001130987.2(DYSF):c.2979+112A>C

Gene: DYSF (dysferlin; plus strand). Cytogenetic location: 2p13.2.
Variant type: single nucleotide variant.
Coding change: c.2979+112A>C on transcript NM_001130987.2 (MANE Select); 112 bases into the intron after coding-DNA position 2979, A replaced by C.
Molecular consequence: intron variant.
Genome position (GRCh38, 1-based): chr2:71,570,046, A>C. VCF-style: chr2-71570046-A-C. GRCh37 (hg19) VCF-style: chr2-71797176-A-C.
Other names: c.3018+112A>C (NM_001130979.2); c.2976+112A>C (NM_001130981.2, NM_001130980.2); c.2925+112A>C (NM_001130978.2, NM_003494.4); c.2883+112A>C (NM_001130977.2, NM_001130976.2); c.3021+112A>C (NM_001130982.2); c.2979+112A>C (NM_001130985.2); c.2928+112A>C (NM_001130983.2, NM_001130455.2); c.2886+112A>C (NM_001130984.2, NM_001130986.2).
Identifiers: ClinVar variation 679425 (VCV000679425.5), dbSNP rs10183967, ClinGen allele CA11017541.

ClinVar aggregate classification (germline): Benign. Review status: criteria provided, multiple submitters, no conflicts (2 of 4 stars). 3 submissions from 3 submitters: Benign (3). Last evaluated 2021-06-10.

Conditions:
Miyoshi muscular dystrophy 1 (MMD1). Identifiers: Orphanet 45448, MedGen C4551973, MONDO:0024545, OMIM 254130.

Allele frequency attached by ClinVar (database versions not stated): TOPMed 0.59699; 1000 Genomes Project 0.53215; gnomAD 0.57695; 1000 Genomes Project 30x 0.53998.
gnomAD v4.1: 585,097 of 1,111,420 alleles (53%); highest among the groups gnomAD compares: African/African-American, 80%; 160,442 homozygotes.

Submissions (3):

Genome-Nilou Lab
Classification: Benign for Miyoshi muscular dystrophy 1. Last evaluated: 2021-06-10. Review status: criteria provided, single submitter. Criteria: ACMG Guidelines, 2015. Collection method: clinical testing. Allele origin: germline. Affected: no.

GeneDx
Classification: Benign. Last evaluated: 2018-06-14. Review status: criteria provided, single submitter. Criteria: GeneDx Variant Classification (06012015). Collection method: clinical testing. Allele origin: germline. Affected: yes.
Comment: This variant is considered likely benign or benign based on one or more of the following criteria: it is a conservative change, it occurs at a poorly conserved position in the protein, it is predicted to be benign by multiple in silico algorithms, and/or has population frequency not consistent with disease.

Breakthrough Genomics
Classification: Benign. Review status: criteria provided, single submitter. Criteria: ACMG Guidelines, 2015. Collection method: not provided. Allele origin: germline. Inheritance: Autosomal recessive inheritance. Affected: yes.